The following is an entry in ClinVar:

NM_024334.3(TMEM43):c.921G>A (p.Lys307=)

Gene: TMEM43 (transmembrane protein 43; plus strand). Cytogenetic location: 3p25.1.
Variant type: single nucleotide variant.
Coding change: c.921G>A on transcript NM_024334.3 (MANE Select); coding-DNA position 921, G replaced by A.
Protein change: p.Lys307=; no amino-acid change (lysine 307 retained).
Molecular consequence: synonymous variant.
Genome position (GRCh38, 1-based): chr3:14,139,218, G>A. VCF-style: chr3-14139218-G-A. GRCh37 (hg19) VCF-style: chr3-14180718-G-A.
Identifiers: ClinVar variation 227100 (VCV000227100.21), dbSNP rs201771608, ClinGen allele CA056267.
Genomic context (GRCh38, chr3:14,139,218, plus strand): 5'-CTGCCCCCACCTTGTCCTGCAGGAGGTGTTTCATAGAGAACTAAGGAGCAACTCCATGAA[G>A]ACCTGGGGCCTGCGGGCAGCTGGCTGGATGGCCATGTTCATGGGCCTCAACCTTATGACA-3'
Protein context (NP_077310.1, residues 297-317): FHRELRSNSM[Lys307=]TWGLRAAGWM

ClinVar aggregate classification (germline): Benign/Likely benign. Review status: criteria provided, multiple submitters, no conflicts (2 of 4 stars). 6 submissions from 6 submitters: Benign (5); Likely benign (1). Last evaluated 2025-12-03.

Conditions:
Cardiovascular phenotype. Identifiers: MedGen CN230736.
Cardiomyopathy (CMYO). Also called: Cardiomyopathies. Identifiers: Orphanet 167848, MedGen C0878544, MONDO:0004994, HP:0001638. Inheritance: Various modes of inheritance.
Arrhythmogenic right ventricular dysplasia 5. Also called: Arrhythmogenic Right Ventricular Dysplasia/Cardiomyopathy 5; ARRHYTHMOGENIC RIGHT VENTRICULAR DYSPLASIA, FAMILIAL, 5. Identifiers: MedGen C1858379, MONDO:0011459, OMIM 604400.

Allele frequency attached by ClinVar (database versions not stated): gnomAD 0.00006 and 0.00007; TOPMed 0.00009; gnomAD exomes 0.00018 and 0.00003; ExAC 0.00024; 1000 Genomes Project 0.00060; 1000 Genomes Project 30x 0.00078.

Submissions (6):

Labcorp Genetics (formerly Invitae), Labcorp
Classification: Benign for Arrhythmogenic right ventricular dysplasia 5. Last evaluated: 2025-12-03. Review status: criteria provided, single submitter. Criteria: Invitae Variant Classification Sherloc (09022015). Collection method: clinical testing. Allele origin: germline.

All of Us Research Program, National Institutes of Health
Classification: Benign for Arrhythmogenic right ventricular dysplasia 5. Last evaluated: 2023-12-01. Review status: criteria provided, single submitter. Criteria: ACMG Guidelines, 2015. Collection method: clinical testing. Allele origin: germline. Inheritance: Autosomal dominant inheritance. Observed: 3 variant alleles, 3 heterozygotes.
Comment: This study involves interpretation of variants in research participants for the purpose of population health screening. Participant phenotype was not available at the time of variant classification. Additional details can be found in publication PMID: 35346344, PMCID: PMC8962531

Ambry Genetics
Classification: Likely benign for Cardiovascular phenotype. Last evaluated: 2023-09-24. Review status: criteria provided, single submitter. Criteria: Ambry Variant Classification Scheme 2023. Collection method: clinical testing. Allele origin: germline.

Women's Health and Genetics/Laboratory Corporation of America, LabCorp
Classification: Benign. Last evaluated: 2018-12-26. Review status: criteria provided, single submitter. Criteria: LabCorp Variant Classification Summary - May 2015. Collection method: clinical testing. Allele origin: germline.
Comment: Variant summary: TMEM43 c.921G>A alters a conserved nucleotide resulting in a synonymous change. 4/5 computational tools predict no significant impact on normal splicing. However, these predictions have yet to be confirmed by functional studies. The variant allele was found at a frequency of 0.00016 in 277218 control chromosomes, predominantly within the East Asian subpopulation at a frequency of 0.0024 in the gnomAD database. The observed variant frequency within East Asian control individuals in the gnomAD database is approximately 240-fold of the estimated maximal expected allele frequency for a pathogenic variant in TMEM43 causing Arrhythmia phenotype (1e-05), strongly suggesting that the variant is a benign polymorphism found primarily in populations of East Asian origin. To our knowledge, no occurrence of c.921G>A in individuals affected with Arrhythmia and no experimental evidence demonstrating its impact on protein function have been reported. One clinical diagnostic laboratory has submitted clinical-significance assessments for this variant to ClinVar after 2014 without evidence for independent evaluation and classified the variant as benign. Based on the evidence outlined above, the variant was classified as benign.

Color Diagnostics, LLC DBA Color Health
Classification: Benign for Cardiomyopathy. Last evaluated: 2018-04-28. Review status: criteria provided, single submitter. Criteria: ACMG Guidelines, 2015. Collection method: clinical testing. Allele origin: germline.

Laboratory for Molecular Medicine, Mass General Brigham Personalized Medicine
Classification: Benign. Last evaluated: 2015-05-07. Review status: criteria provided, single submitter. Criteria: LMM Criteria. Collection method: clinical testing. Allele origin: germline. Observed: 1 variant allele.
Comment: p.Lys307Lys variant in exon 11 of TMEM43: This variant is not expected to have c linical significance because it has been identified in 0.3% (29/8654) of East As ian chromosomes by the Exome Aggregation Consortium (ExAC; dbSNP rs201771608).